The following is an entry in ClinVar:

NM_006514.4(SCN10A):c.1432C>T (p.Arg478Cys)

Gene: SCN10A (sodium voltage-gated channel alpha subunit 10; minus strand). Cytogenetic location: 3p22.2.
Variant type: single nucleotide variant.
Coding change: c.1432C>T on transcript NM_006514.4 (MANE Select); coding-DNA position 1432, C replaced by T.
Protein change: p.Arg478Cys; replaces arginine 478 with cysteine.
Molecular consequence: missense variant.
Genome position (GRCh38, 1-based): chr3:38,755,817, G>A on the plus strand (C>T on the coding strand, the complement: SCN10A is on the minus strand). VCF-style: chr3-38755817-G-A. GRCh37 (hg19) VCF-style: chr3-38797308-G-A.
Other names: c.1432C>T, p.Arg478Cys (NM_001293306.2, NM_001293307.2); c.1432C>T (NM_006514.3); short protein forms R478C.
Identifiers: ClinVar variation 1039120 (VCV001039120.19), dbSNP rs770389041, ClinGen allele CA2320870.
Genomic context (GRCh38, chr3:38,755,817, plus strand): 5'-AATCTTTAGAGCACAAACCTGAGCCTCTTACCATCCTGCGCTGGTTGTAAGGATCAGAGC[G>A]GGGTGATTTGTTGTCTTCTGTGGAGCCCTCTGACACTCTTGGCTTTATTCTATGCCTTCT-3'
Protein context (NP_006505.4, residues 468-488): EGSTEDNKSP[Arg478Cys]SDPYNQRRMS

ClinVar aggregate classification (germline): Conflicting classifications of pathogenicity. Review status: criteria provided, conflicting classifications (1 of 4 stars). 5 submissions from 5 submitters: Uncertain significance (4); Likely benign (1). Last evaluated 2025-12-29.

Conditions:
Cardiovascular phenotype. Identifiers: MedGen CN230736.
SCN10A-related disorder. Also called: SCN10A-related condition.
Brugada syndrome. Also called: Sudden unexpected nocturnal death syndrome; Sudden unexplained nocturnal death syndrome; Sudden Unexplained Death Syndrome; Sudden Unexplained Nocturnal Death Syndrome (SUNDS). Identifiers: Orphanet 130, MedGen C1142166, MONDO:0015263.

Allele frequency attached by ClinVar (database versions not stated): ExAC 0.00002; gnomAD 0.00004 and 0.00005; gnomAD exomes 0.00005; TOPMed 0.00007.
gnomAD v4.1: 104 of 1,613,862 alleles (0.0064%); highest among the groups gnomAD compares: Non-Finnish European, 0.0082%; no homozygotes.

Submissions (5):

PreventionGenetics, part of Exact Sciences
Classification: Uncertain significance for SCN10A-related condition. Last evaluated: 2025-12-29. Review status: criteria provided, single submitter. Criteria: ACMG Guidelines, 2015. Collection method: clinical testing. Allele origin: germline.
Comment: The SCN10A c.1432C>T variant is predicted to result in the amino acid substitution p.Arg478Cys. To our knowledge, this variant has not been reported in the literature. This variant is reported in 0.0070% of alleles in individuals of European (non-Finnish) descent in gnomAD. At this time, the clinical significance of this variant is uncertain due to the absence of conclusive functional and genetic evidence.

Labcorp Genetics (formerly Invitae), Labcorp
Classification: Uncertain significance for Brugada syndrome. Last evaluated: 2025-12-01. Review status: criteria provided, single submitter. Criteria: Invitae Variant Classification Sherloc (09022015). Collection method: clinical testing. Allele origin: germline.
Comment: This sequence change replaces arginine, which is basic and polar, with cysteine, which is neutral and slightly polar, at codon 478 of the SCN10A protein (p.Arg478Cys). This variant is present in population databases (rs770389041, gnomAD 0.006%). This variant has not been reported in the literature in individuals affected with SCN10A-related conditions. ClinVar contains an entry for this variant (Variation ID: 1039120). Invitae Evidence Modeling of protein sequence and biophysical properties (such as structural, functional, and spatial information, amino acid conservation, physicochemical variation, residue mobility, and thermodynamic stability) indicates that this missense variant is not expected to disrupt SCN10A protein function with a negative predictive value of 80%. In summary, the available evidence is currently insufficient to determine the role of this variant in disease. Therefore, it has been classified as a Variant of Uncertain Significance.

CeGaT Center for Human Genetics Tuebingen
Classification: Uncertain significance. Last evaluated: 2025-06-01. Review status: criteria provided, single submitter. Criteria: CeGaT Center For Human Genetics Tuebingen Variant Classification Criteria Version 2. Collection method: clinical testing. Allele origin: germline. Affected: yes. Observed: 1 variant allele.

GeneDx
Classification: Uncertain significance. Last evaluated: 2023-12-20. Review status: criteria provided, single submitter. Criteria: GeneDx Variant Classification Process June 2021. Collection method: clinical testing. Allele origin: germline. Affected: yes.
Comment: Has not been previously published as pathogenic or benign to our knowledge; In silico analysis supports that this missense variant does not alter protein structure/function

Ambry Genetics
Classification: Likely benign for Cardiovascular phenotype. Last evaluated: 2021-04-07. Review status: criteria provided, single submitter. Criteria: Ambry Variant Classification Scheme 2023. Collection method: clinical testing. Allele origin: germline.